The following is an entry in ClinVar:

NM_024915.4(GRHL2):c.816A>G (p.Lys272=)

Gene: GRHL2 (grainyhead like transcription factor 2; plus strand). Cytogenetic location: 8q22.3.
Variant type: single nucleotide variant.
Coding change: c.816A>G on transcript NM_024915.4 (MANE Select); coding-DNA position 816, A replaced by G.
Protein change: p.Lys272=; no amino-acid change (lysine 272 retained).
Molecular consequence: synonymous variant.
Genome position (GRCh38, 1-based): chr8:101,573,749, A>G. VCF-style: chr8-101573749-A-G. GRCh37 (hg19) VCF-style: chr8-102585977-A-G.
Other names: c.768A>G, p.Lys256= (NM_001330593.2).
Identifiers: ClinVar variation 227418 (VCV000227418.10), dbSNP rs760857170, ClinGen allele CA4830396.

ClinVar aggregate classification (germline): Likely benign. Review status: criteria provided, multiple submitters, no conflicts (2 of 4 stars). 5 submissions from 5 submitters: Likely benign (4). 1 of the submissions does not count toward it. Last evaluated 2025-08-25.

Conditions:
GRHL2-related disorder. Also called: GRHL2-related disorders; GRHL2-related condition.

Allele frequency attached by ClinVar (database versions not stated): gnomAD exomes 0.00002 and 0.00007; TOPMed 0.00003; ExAC 0.00004.
gnomAD v4.1: 14 of 1,614,204 alleles (0.00087%); highest among the groups gnomAD compares: Admixed American, 0.023%; no homozygotes.

Submissions (5):

Labcorp Genetics (formerly Invitae), Labcorp
Classification: Likely benign. Last evaluated: 2025-08-25. Review status: criteria provided, single submitter. Criteria: Invitae Variant Classification Sherloc (09022015). Collection method: clinical testing. Allele origin: germline.

GeneDx
Classification: Likely benign. Last evaluated: 2021-03-04. Review status: criteria provided, single submitter. Criteria: GeneDx Variant Classification Process June 2021. Collection method: clinical testing. Allele origin: germline. Affected: yes.

Blueprint Genetics
Classification: Likely benign. Last evaluated: 2019-11-25. Review status: criteria provided, single submitter. Criteria: ACMG Guidelines, 2015. Collection method: clinical testing. Allele origin: germline.

Laboratory for Molecular Medicine, Mass General Brigham Personalized Medicine
Classification: Likely benign. Last evaluated: 2015-08-11. Review status: criteria provided, single submitter. Criteria: LMM Criteria. Collection method: clinical testing. Allele origin: germline. Observed: 1 variant allele.
Comment: p.Lys272Lys in exon 6 of GRHL2: This variant is not expected to have clinical si gnificance because it does not alter an amino acid residue and is not located wi thin the splice consensus sequence. It has been identified in 5/11566 Latino chr omosomes by the Exome Aggregation Consortium (ExAC, rg).

PreventionGenetics, part of Exact Sciences
Classification: Likely benign for GRHL2-related condition. Last evaluated: 2020-09-16. Review status: no assertion criteria provided. Collection method: clinical testing. Allele origin: germline. Not counted in ClinVar's aggregate classification.
Comment: This variant is classified as likely benign based on ACMG/AMP sequence variant interpretation guidelines (Richards et al. 2015 PMID: 25741868, with internal and published modifications).